The following is an entry in ClinVar:

ClinVar aggregate classification (germline): Likely pathogenic (1 of 4 stars; one submission).

Conditions:
Progressive myoclonic epilepsy. Also called: Familial progressive myoclonic epilepsy; Myoclonus epilepsy; Progressive myoclonus epilepsy; Myoclonic Epilepsies, Progressive. Identifiers: Orphanet 308, Orphanet 98261, MedGen C0751778, MONDO:0020074.

Allele frequency attached by ClinVar (database versions not stated): gnomAD exomes below 0.00001.
gnomAD v4.1: 4 of 1,612,658 alleles (0.00025%); highest among the groups gnomAD compares: Non-Finnish European, 0.00017%; no homozygotes.

Submission:

Labcorp Genetics (formerly Invitae), Labcorp
Classification: Likely pathogenic for Progressive myoclonic epilepsy. Last evaluated: 2022-08-09. Review status: criteria provided, single submitter. Criteria: Invitae Variant Classification Sherloc (09022015). Collection method: clinical testing. Allele origin: germline.
Comment: In summary, the currently available evidence indicates that the variant is pathogenic, but additional data are needed to prove that conclusively. Therefore, this variant has been classified as Likely Pathogenic. Algorithms developed to predict the effect of sequence changes on RNA splicing suggest that this variant may disrupt the consensus splice site. ClinVar contains an entry for this variant (Variation ID: 578675). This variant has not been reported in the literature in individuals affected with GOSR2-related conditions. This variant is not present in population databases (gnomAD no frequency). This sequence change affects an acceptor splice site in intron 4 of the GOSR2 gene. It is expected to disrupt RNA splicing. Variants that disrupt the donor or acceptor splice site typically lead to a loss of protein function (PMID: 16199547), and loss-of-function variants in GOSR2 are known to be pathogenic (PMID: 21549339).

Literature cited by the submitters: PubMed 16199547; PubMed 21549339.

NM_004287.5(GOSR2):c.337-2A>G

Genes: GOSR2 (golgi SNAP receptor complex member 2; plus strand), LRRC37A2 (leucine rich repeat containing 37 member A2). Cytogenetic location: 17q21.32.
Variant type: single nucleotide variant.
Coding change: c.337-2A>G on transcript NM_004287.5 (MANE Select); the canonical splice acceptor site of the intron before coding-DNA position 337, A replaced by G.
Molecular consequence: splice acceptor variant. On other transcripts: intron variant (4).
Genome position (GRCh38, 1-based): chr17:46,935,027, A>G. VCF-style: chr17-46935027-A-G. GRCh37 (hg19) VCF-style: chr17-45012393-A-G.
Other names: c.337-2A>G (NM_001321133.2, NM_054022.4, NM_001012511.3); c.283-2A>G (NM_001363851.2); c.282+2828A>G (NM_001321134.2); c.336+2828A>G (NM_001330252.2); c.334-2A>G (NM_001353114.2); c.333+2828A>G (NM_001353115.2, NM_001353116.2).
Identifiers: ClinVar variation 578675 (VCV000578675.8), dbSNP rs1568177307, ClinGen allele CA400017881.